The following is an entry in ClinVar:

NM_005141.5(FGB):c.772C>T (p.Gln258Ter)

Gene: FGB (fibrinogen beta chain; plus strand). Cytogenetic location: 4q31.3.
Variant type: single nucleotide variant.
Coding change: c.772C>T on transcript NM_005141.5 (MANE Select); coding-DNA position 772, C replaced by T.
Protein change: p.Gln258Ter; replaces glutamine 258 with a stop codon.
Molecular consequence: nonsense. On other transcripts: intron variant (1).
Genome position (GRCh38, 1-based): chr4:154,568,434, C>T. VCF-style: chr4-154568434-C-T. GRCh37 (hg19) VCF-style: chr4-155489586-C-T.
Other names: c.595C>T, p.Gln199Ter (NM_001184741.1); c.640C>T, p.Gln214Ter (NM_001382759.1); c.772C>T, p.Gln258Ter (NM_001382760.1, NM_001382761.1, NM_001382763.1 and 2 more transcripts); c.745+27C>T (NM_001382762.1); short protein forms Q214*, Q258*, Q199*.
Identifiers: ClinVar variation 3725102 (VCV003725102.2).
Genomic context (GRCh38, chr4:154,568,434, plus strand): 5'-TTTGCAGAATGTGAGGAAATTATCAGGAAAGGAGGTGAAACATCTGAAATGTATCTCATT[C>T]AACCTGACAGTTCTGTCAAACCGTATAGAGTATACTGTGACATGAATACAGAAAATGGAG-3'

ClinVar aggregate classification (germline): Pathogenic (1 of 4 stars; one submission).

Submission:

Labcorp Genetics (formerly Invitae), Labcorp
Classification: Pathogenic. Last evaluated: 2024-12-31. Review status: criteria provided, single submitter. Criteria: Invitae Variant Classification Sherloc (09022015). Collection method: clinical testing. Allele origin: germline.
Comment: This sequence change creates a premature translational stop signal (p.Gln258*) in the FGB gene. It is expected to result in an absent or disrupted protein product. Loss-of-function variants in FGB are known to be pathogenic (PMID: 23852822). This variant is not present in population databases (gnomAD no frequency). This variant has not been reported in the literature in individuals affected with FGB-related conditions. For these reasons, this variant has been classified as Pathogenic.

Literature cited by the submitters: PubMed 23852822.